The following is an entry in ClinVar:

NM_012431.3(SEMA3E):c.439G>T (p.Val147Phe)

Gene: SEMA3E (semaphorin 3E; minus strand). Cytogenetic location: 7q21.11.
Variant type: single nucleotide variant.
Coding change: c.439G>T on transcript NM_012431.3 (MANE Select); coding-DNA position 439, G replaced by T.
Protein change: p.Val147Phe; replaces valine 147 with phenylalanine.
Molecular consequence: missense variant.
Genome position (GRCh38, 1-based): chr7:83,466,499, C>A on the plus strand (G>T on the coding strand, the complement: SEMA3E is on the minus strand). VCF-style: chr7-83466499-C-A. GRCh37 (hg19) VCF-style: chr7-83095815-C-A.
Other names: c.259G>T, p.Val87Phe (NM_001178129.2); short protein forms V147F, V87F.
Identifiers: ClinVar variation 2741354 (VCV002741354.3), dbSNP rs1789759316, ClinGen allele CA367935559.

ClinVar aggregate classification (germline): Uncertain significance (1 of 4 stars; one submission).

Conditions:
CHARGE syndrome (CHARGE). Also called: Hittner Hirsch Kreh syndrome; CHARGE ASSOCIATION--COLOBOMA, HEART ANOMALY, CHOANAL ATRESIA, RETARDATION, GENITAL AND EAR ANOMALIES; Coloboma, heart anomaly, choanal atresia, retardation, genital and ear anomalies; CHARGE association; Hall-Hittner syndrome. Identifiers: Orphanet 138, MedGen C0265354, MONDO:0008965.

Submission:

Labcorp Genetics (formerly Invitae), Labcorp
Classification: Uncertain significance for CHARGE syndrome. Last evaluated: 2023-08-07. Review status: criteria provided, single submitter. Criteria: Invitae Variant Classification Sherloc (09022015). Collection method: clinical testing. Allele origin: germline.
Comment: This sequence change replaces valine, which is neutral and non-polar, with phenylalanine, which is neutral and non-polar, at codon 147 of the SEMA3E protein (p.Val147Phe). In summary, the available evidence is currently insufficient to determine the role of this variant in disease. Therefore, it has been classified as a Variant of Uncertain Significance. Advanced modeling of protein sequence and biophysical properties (such as structural, functional, and spatial information, amino acid conservation, physicochemical variation, residue mobility, and thermodynamic stability) performed at Invitae indicates that this missense variant is not expected to disrupt SEMA3E protein function. This variant has not been reported in the literature in individuals affected with SEMA3E-related conditions. This variant is not present in population databases (gnomAD no frequency).